The following is an entry in ClinVar:

NM_138694.3(PKHD1):c.8951del

Gene: PKHD1 (PKHD1 ciliary IPT domain containing fibrocystin/polyductin; minus strand). Cytogenetic location: 6p12.3.
Variant type: Deletion.
Coding change: c.8951del on transcript NM_138694.3; coding-DNA position 8951, one base deleted (G; older notation c.8951delG).
Genome position (GRCh38, 1-based): chr6:51,748,665, C deleted on the plus strand (G on the coding strand, the reverse complement: PKHD1 is on the minus strand); the first of 2 consecutive C bases (chr6:51,748,665-51,748,666); deleting either gives the same sequence. VCF-style (leftmost placement, unchanged base first): chr6-51748664-AC-A. GRCh37 (hg19) VCF-style: chr6-51613462-AC-A.
Identifiers: ClinVar variation 4816787 (VCV004816787.1).

ClinVar aggregate classification (germline): Likely pathogenic (1 of 4 stars; one submission).

Conditions:
Autosomal recessive polycystic kidney disease (ARPKD). Also called: AR polycystic kidney disease. Identifiers: Orphanet 731, Orphanet 8378, MedGen C0085548, MeSH D017044, MONDO:0009889.

Submission:

Natera, Inc.
Classification: Likely pathogenic for Autosomal recessive polycystic kidney disease. Last evaluated: 2024-07-11. Review status: criteria provided, single submitter. Criteria: Natera Variant Classification Schema (03/2026). Collection method: clinical testing. Allele origin: germline.
Comment: The c.8951del variant in PKHD1 is a frameshift variant predicted to shift the reading frame beginning at codon 2984 and leads to a stop codon 55 codons downstream. This variant is expected to result in nonsense mediated decay, truncation, or a dysfunctional protein product. This variant is rare in the general population with a frequency below the threshold expected for the associated phenotype(s). Given the available evidence, this variant is classified as Likely Pathogenic.